The following is an entry in ClinVar:

NM_203447.4(DOCK8):c.1016C>T (p.Pro339Leu)

Gene: DOCK8 (dedicator of cytokinesis 8; plus strand). Cytogenetic location: 9p24.3.
Variant type: single nucleotide variant.
Coding change: c.1016C>T on transcript NM_203447.4 (MANE Select); coding-DNA position 1016, C replaced by T.
Protein change: p.Pro339Leu; replaces proline 339 with leucine.
Molecular consequence: missense variant.
Genome position (GRCh38, 1-based): chr9:328,143, C>T. VCF-style: chr9-328143-C-T. GRCh37 (hg19) VCF-style: chr9-328143-C-T.
Other names: c.812C>T, p.Pro271Leu (NM_001190458.2, NM_001193536.2); short protein forms P339L, P271L.
Identifiers: ClinVar variation 665900 (VCV000665900.11), dbSNP rs145716710, ClinGen allele CA4957562.

ClinVar aggregate classification (germline): Uncertain significance. Review status: criteria provided, multiple submitters, no conflicts (2 of 4 stars). 4 submissions from 4 submitters: Uncertain significance (4). Last evaluated 2024-10-07.

Conditions:
Combined immunodeficiency due to DOCK8 deficiency (HIES2). Also called: HIES autosomal recessive; HYPER-IgE RECURRENT INFECTION SYNDROME 2, AUTOSOMAL RECESSIVE; HYPER-IgE SYNDROME 2, AUTOSOMAL RECESSIVE, WITH RECURRENT INFECTIONS; Hyper-IgE recurrent infection syndrome, autosomal recessive; DOCK8 Deficiency. Identifiers: Orphanet 217390, MedGen C4722305, MONDO:0009478, OMIM 243700.

Allele frequency attached by ClinVar (database versions not stated): ESP Exome Variant Server 0.00008; gnomAD 0.00008; TOPMed 0.00012; gnomAD exomes 0.00014; ExAC 0.00018.
gnomAD v4.1: 209 of 1,613,958 alleles (0.013%); highest among the groups gnomAD compares: Middle Eastern, 0.033%; 1 homozygote.

Submissions (4):

Blueprint Genetics
Classification: Uncertain significance. Last evaluated: 2024-10-07. Review status: criteria provided, single submitter. Criteria: ACMG Guidelines, 2015. Collection method: clinical testing. Allele origin: germline.

GeneDx
Classification: Uncertain significance. Last evaluated: 2024-07-30. Review status: criteria provided, single submitter. Criteria: GeneDx Variant Classification Process June 2021. Collection method: clinical testing. Allele origin: germline. Affected: yes.
Comment: In silico analysis supports that this missense variant has a deleterious effect on protein structure/function; Has not been previously published as pathogenic or benign to our knowledge

Labcorp Genetics (formerly Invitae), Labcorp
Classification: Uncertain significance for Combined immunodeficiency due to DOCK8 deficiency. Last evaluated: 2022-09-01. Review status: criteria provided, single submitter. Criteria: Invitae Variant Classification Sherloc (09022015). Collection method: clinical testing. Allele origin: germline.
Comment: This sequence change replaces proline, which is neutral and non-polar, with leucine, which is neutral and non-polar, at codon 339 of the DOCK8 protein (p.Pro339Leu). This variant is present in population databases (rs145716710, gnomAD 0.02%). This variant has not been reported in the literature in individuals affected with DOCK8-related conditions. ClinVar contains an entry for this variant (Variation ID: 665900). Algorithms developed to predict the effect of missense changes on protein structure and function are either unavailable or do not agree on the potential impact of this missense change (SIFT: "Deleterious"; PolyPhen-2: "Probably Damaging"; Align-GVGD: "Class C0"). In summary, the available evidence is currently insufficient to determine the role of this variant in disease. Therefore, it has been classified as a Variant of Uncertain Significance.

Genetic Services Laboratory, University of Chicago
Classification: Uncertain significance. Last evaluated: 2021-05-19. Review status: criteria provided, single submitter. Criteria: ACMG Guidelines, 2015. Collection method: clinical testing. Allele origin: germline. Affected: no.
Comment: DNA sequence analysis of the DOCK8 gene demonstrated a sequence change, c.1016C>T, in exon 9 that results in an amino acid change, p.Pro339Leu. This sequence change has been described in the gnomAD database with a frequency of 0.02% in the European (non-Finnish) subpopulation (dbSNP rs145716710). The p.Pro339Leu change affects a highly conserved amino acid residue located in a domain of the DOCK8 protein that is not known to be functional. In-silico pathogenicity prediction tools (SIFT, PolyPhen2, Align GVGD, REVEL) provide contradictory results for the p.Pro339Leu substitution. This sequence change does not appear to have been previously described in patients with DOCK8-related. Due to the lack of sufficient evidences, the clinical significance of the p.Pro339Leu change remains unknown at this time.